The following is an entry in ClinVar:

NM_001458.5(FLNC):c.5956G>C (p.Gly1986Arg)

Genes: FLNC (filamin C; plus strand), FLNC-AS1 (FLNC antisense RNA 1; minus strand). Cytogenetic location: 7q32.1.
Variant type: single nucleotide variant.
Coding change: c.5956G>C on transcript NM_001458.5 (MANE Select); coding-DNA position 5956, G replaced by C.
Protein change: p.Gly1986Arg; replaces glycine 1986 with arginine.
Molecular consequence: missense variant.
Genome position (GRCh38, 1-based): chr7:128,852,704, G>C. VCF-style: chr7-128852704-G-C. GRCh37 (hg19) VCF-style: chr7-128492758-G-C.
Other names: c.5857G>C, p.Gly1953Arg (NM_001127487.2); short protein forms G1953R, G1986R.
Identifiers: ClinVar variation 5021966 (VCV005021966.1).

ClinVar aggregate classification (germline): Uncertain significance (1 of 4 stars; one submission).

Conditions:
Cardiovascular phenotype. Identifiers: MedGen CN230736.

Submission:

Ambry Genetics
Classification: Uncertain significance for Cardiovascular phenotype. Last evaluated: 2026-08-19. Review status: criteria provided, single submitter. Criteria: Ambry Variant Classification Scheme 2023. Collection method: clinical testing. Allele origin: germline.
Comment: The p.G1986R variant (also known as c.5956G>C), located in coding exon 36 of the FLNC gene, results from a G to C substitution at nucleotide position 5956. The glycine at codon 1986 is replaced by arginine, an amino acid with dissimilar properties. This amino acid position is conserved. In addition, this alteration is predicted to be deleterious by in silico analysis. Based on the available evidence, the clinical significance of this variant remains unclear.